The following is an entry in ClinVar:

ClinVar aggregate classification (germline): Uncertain significance. Review status: criteria provided, multiple submitters, no conflicts (2 of 4 stars). 2 submissions from 2 submitters: Uncertain significance (2). Last evaluated 2023-11-24.

Conditions:
Colorectal cancer, hereditary nonpolyposis, type 7. Identifiers: Orphanet 144, MedGen C1858380, MONDO:0013725, OMIM 614385.

Allele frequency attached by ClinVar (database versions not stated): gnomAD 0.00001.
gnomAD v4.1: 3 of 1,614,030 alleles (0.00019%); highest among the groups gnomAD compares: Non-Finnish European, 0.00025%; no homozygotes.

Submissions (2):

Ambry Genetics
Classification: Uncertain significance. Last evaluated: 2023-11-24. Review status: criteria provided, single submitter. Criteria: Ambry Variant Classification Scheme 2023. Collection method: clinical testing. Allele origin: germline.
Comment: The p.P969H variant (also known as c.2906C>A), located in coding exon 1 of the MLH3 gene, results from a C to A substitution at nucleotide position 2906. The proline at codon 969 is replaced by histidine, an amino acid with similar properties. This amino acid position is conserved. In addition, this alteration is predicted to be tolerated by in silico analysis. Since supporting evidence is limited at this time, the clinical significance of this alteration remains unclear.

Labcorp Genetics (formerly Invitae), Labcorp
Classification: Uncertain significance for Colorectal cancer, hereditary nonpolyposis, type 7. Last evaluated: 2019-04-28. Review status: criteria provided, single submitter. Criteria: Invitae Variant Classification Sherloc (09022015). Collection method: clinical testing. Allele origin: germline.
Comment: This sequence change replaces proline with histidine at codon 969 of the MLH3 protein (p.Pro969His). The proline residue is moderately conserved and there is a moderate physicochemical difference between proline and histidine. This variant is not present in population databases (ExAC no frequency). This variant has not been reported in the literature in individuals with MLH3-related conditions. Algorithms developed to predict the effect of missense changes on protein structure and function are either unavailable or do not agree on the potential impact of this missense change (SIFT: "Deleterious"; PolyPhen-2: "Possibly Damaging"; Align-GVGD: "Class C0"). In summary, the available evidence is currently insufficient to determine the role of this variant in disease. Therefore, it has been classified as a Variant of Uncertain Significance.

NM_001040108.2(MLH3):c.2906C>A (p.Pro969His)

Gene: MLH3 (mutL homolog 3; minus strand). Cytogenetic location: 14q24.3.
Variant type: single nucleotide variant.
Coding change: c.2906C>A on transcript NM_001040108.2 (MANE Select); coding-DNA position 2906, C replaced by A.
Protein change: p.Pro969His; replaces proline 969 with histidine.
Molecular consequence: missense variant.
Genome position (GRCh38, 1-based): chr14:75,046,750, G>T on the plus strand (C>A on the coding strand, the complement: MLH3 is on the minus strand). VCF-style: chr14-75046750-G-T. GRCh37 (hg19) VCF-style: chr14-75513453-G-T.
Other names: c.2906C>A, p.Pro969His (NM_014381.3); short protein forms P969H.
Identifiers: ClinVar variation 951803 (VCV000951803.10), dbSNP rs776422424, ClinGen allele CA390437618.